The following is an entry in ClinVar:

ClinVar aggregate classification (germline): Pathogenic (1 of 4 stars; one submission).

Conditions:
Spermatogenic failure 18. Identifiers: MedGen C4539783, MONDO:0054615, OMIM 617576.
Ciliary dyskinesia, primary, 37 (CILD37). Also called: CILIARY DYSKINESIA, PRIMARY, 37, WITH OR WITHOUT SITUS INVERSUS. Identifiers: MedGen C4539798, MONDO:0033204, OMIM 617577.

Allele frequency attached by ClinVar (database versions not stated): gnomAD exomes 0.00001.
gnomAD v4.1: 3 of 1,605,500 alleles (0.00019%); highest among the groups gnomAD compares: Non-Finnish European, 0.00026%; no homozygotes.

Submission:

Labcorp Genetics (formerly Invitae), Labcorp
Classification: Pathogenic for Ciliary dyskinesia, primary, 37; Spermatogenic failure 18. Last evaluated: 2025-03-25. Review status: criteria provided, single submitter. Criteria: Invitae Variant Classification Sherloc (09022015). Collection method: clinical testing. Allele origin: germline.
Comment: This sequence change creates a premature translational stop signal (p.Ser2520*) in the DNAH1 gene. It is expected to result in an absent or disrupted protein product. Loss-of-function variants in DNAH1 are known to be pathogenic (PMID: 27573432, 27798045). This variant is not present in population databases (gnomAD no frequency). This variant has not been reported in the literature in individuals affected with DNAH1-related conditions. ClinVar contains an entry for this variant (Variation ID: 1965274). For these reasons, this variant has been classified as Pathogenic.

Literature cited by the submitters: PubMed 27573432; PubMed 27798045.

NM_015512.5(DNAH1):c.7559C>G (p.Ser2520Ter)

Gene: DNAH1 (dynein axonemal heavy chain 1; plus strand). Cytogenetic location: 3p21.1.
Variant type: single nucleotide variant.
Coding change: c.7559C>G on transcript NM_015512.5 (MANE Select); coding-DNA position 7559, C replaced by G.
Protein change: p.Ser2520Ter; replaces serine 2520 with a stop codon.
Molecular consequence: nonsense.
Genome position (GRCh38, 1-based): chr3:52,380,086, C>G. VCF-style: chr3-52380086-C-G. GRCh37 (hg19) VCF-style: chr3-52414102-C-G.
Other names: short protein forms S2520*.
Identifiers: ClinVar variation 1965274 (VCV001965274.5), dbSNP rs2471256182, ClinGen allele CA353179126.